The following is an entry in ClinVar:

ClinVar aggregate classification (germline): Uncertain significance (1 of 4 stars; one submission).

Conditions:
Leigh syndrome (NULS). Also called: Leigh's necrotizing encephalopathy; Leigh's disease; Leigh's syndrome; LEIGH SYNDROME, NUCLEAR; Leigh Syndrome (mtDNA deletion); Leigh Disease. Identifiers: Orphanet 506, MedGen C2931891, MONDO:0009723, OMIM 256000.

Submission:

Wong Mito Lab, Molecular and Human Genetics, Baylor College of Medicine
Classification: Uncertain significance for Leigh syndrome. Last evaluated: 2019-10-17. Review status: criteria provided, single submitter. Criteria: Modified ACMG Guidelines (Unpublished). Collection method: clinical testing. Allele origin: germline.
Comment: The NC_012920.1:m.14813A>T (YP_003024038.1:p.Thr23Ser) variant in MTCYB gene is interpretated to be a Uncertain Significance variant based on the modified ACMG guidelines (unpublished). This variant meets the following evidence codes: PP6, PP7, BP4

NC_012920.1(MT-CYB):m.14813A>T

Gene: MT-CYB (mitochondrially encoded cytochrome b; plus strand).
Variant type: single nucleotide variant.
Genome position: chrM-14813-A-T.
Identifiers: ClinVar variation 693770 (VCV000693770.1), dbSNP rs1603224906, ClinGen allele CA913172160.
Genomic context (GRCh38, chrMT:14,813, plus strand): 5'-CCAATACGCAAAACTAACCCCCTAATAAAATTAATTAACCACTCATTCATCGACCTCCCC[A>T]CCCCATCCAACATCTCCGCATGATGAAACTTCGGCTCACTCCTTGGCGCCTGCCTGATCC-3'